The following is an entry in ClinVar:

NM_000135.4(FANCA):c.72G>C (p.Glu24Asp)

Genes: FANCA (FA complementation group A; minus strand), LOC112486223 (Sharpr-MPRA regulatory region 3988; plus strand). Cytogenetic location: 16q24.3.
Variant type: single nucleotide variant.
Coding change: c.72G>C on transcript NM_000135.4 (MANE Select); coding-DNA position 72, G replaced by C.
Protein change: p.Glu24Asp; replaces glutamic acid 24 with aspartic acid.
Molecular consequence: missense variant.
Genome position (GRCh38, 1-based): chr16:89,816,544, C>G on the plus strand (G>C on the coding strand, the complement: FANCA is on the minus strand). VCF-style: chr16-89816544-C-G. GRCh37 (hg19) VCF-style: chr16-89882952-C-G.
Other names: c.72G>C, p.Glu24Asp (NM_001018112.3, NM_001286167.3, NM_001351830.2); short protein forms E24D.
Identifiers: ClinVar variation 3512668 (VCV003512668.1).

ClinVar aggregate classification (germline): Uncertain significance (1 of 4 stars; one submission).

Conditions:
Inborn genetic diseases. Identifiers: MedGen C0950123, MeSH D030342.

gnomAD v4.1: 1 of 1,499,560 alleles (0.000067%); highest among the groups gnomAD compares: African/African-American, 0.0015%; no homozygotes.

Submission:

Ambry Genetics
Classification: Uncertain significance for Inborn genetic diseases. Last evaluated: 2024-11-25. Review status: criteria provided, single submitter. Criteria: Ambry Variant Classification Scheme 2023. Collection method: clinical testing. Allele origin: germline.
Comment: The p.E24D variant (also known as c.72G>C), located in coding exon 1 of the FANCA gene, results from a G to C substitution at nucleotide position 72. The glutamic acid at codon 24 is replaced by aspartic acid, an amino acid with highly similar properties. This amino acid position is conserved. In addition, this alteration is predicted to be tolerated by in silico analysis. Based on the available evidence, the clinical significance of this variant remains unclear.